The following is an entry in ClinVar:

NM_001145026.2(PTPRQ):c.3163G>C (p.Gly1055Arg)

Gene: PTPRQ (protein tyrosine phosphatase receptor type Q; plus strand). Cytogenetic location: 12q21.31.
Variant type: single nucleotide variant.
Coding change: c.3163G>C on transcript NM_001145026.2 (MANE Select); coding-DNA position 3163, G replaced by C.
Protein change: p.Gly1055Arg; replaces glycine 1055 with arginine.
Molecular consequence: missense variant.
Genome position (GRCh38, 1-based): chr12:80,541,563, G>C. VCF-style: chr12-80541563-G-C. GRCh37 (hg19) VCF-style: chr12-80935342-G-C.
Other names: short protein forms G1055R.
Identifiers: ClinVar variation 4983762 (VCV004983762.1).

ClinVar aggregate classification (germline): Uncertain significance (1 of 4 stars; one submission).

Conditions:
PTPRQ-related disorder. Also called: PTPRQ-related condition.

Submission:

PreventionGenetics, part of Exact Sciences
Classification: Uncertain significance for PTPRQ-related condition. Last evaluated: 2026-08-22. Review status: criteria provided, single submitter. Criteria: ACMG Guidelines, 2015. Collection method: clinical testing. Allele origin: germline.
Comment: The PTPRQ c.3163G>C variant is predicted to result in the amino acid substitution p.Gly1055Arg. To our knowledge, this variant has not been reported in the literature or in a large population database (gnomAD), indicating this variant is rare. At this time, the clinical significance of this variant is uncertain due to the absence of conclusive functional and genetic evidence.